The following is an entry in ClinVar:

ClinVar aggregate classification (germline): Uncertain significance (1 of 4 stars; one submission).

Conditions:
Malignant hyperthermia, susceptibility to, 5 (MHS5). Also called: CACNA1S-Related Malignant Hyperthermia Susceptibility. Identifiers: Orphanet 423, MedGen C1866077, MONDO:0011163, OMIM 601887.

Submission:

All of Us Research Program, National Institutes of Health
Classification: Uncertain significance for Malignant hyperthermia, susceptibility to, 5. Last evaluated: 2024-04-16. Review status: criteria provided, single submitter. Criteria: ACMG Guidelines, 2015. Collection method: clinical testing. Allele origin: germline. Inheritance: Autosomal dominant inheritance. Observed: 1 variant allele, 1 heterozygote.
Comment: This missense variant replaces asparagine with isoleucine at codon 79 of the CACNA1S protein. Computational prediction suggests that this variant may not impact protein structure and function (internally defined REVEL score threshold <= 0.5, PMID: 27666373). To our knowledge, functional studies have not been reported for this variant. This variant has not been reported in individuals affected with CACNA1S-related disorders in the literature. This variant has not been identified in the general population by the Genome Aggregation Database (gnomAD). The available evidence is insufficient to determine the role of this variant in disease conclusively. Therefore, this variant is classified as a Variant of Uncertain Significance.

This study involves interpretation of variants in research participants for the purpose of population health screening. Participant phenotype was not available at the time of variant classification. Additional details can be found in publication PMID: 35346344, PMCID: PMC8962531

NM_000069.3(CACNA1S):c.236A>T (p.Asn79Ile)

Gene: CACNA1S (calcium voltage-gated channel subunit alpha1 S; minus strand). Cytogenetic location: 1q32.1.
Variant type: single nucleotide variant.
Coding change: c.236A>T on transcript NM_000069.3 (MANE Select); coding-DNA position 236, A replaced by T.
Protein change: p.Asn79Ile; replaces asparagine 79 with isoleucine.
Molecular consequence: missense variant.
Genome position (GRCh38, 1-based): chr1:201,110,186, T>A on the plus strand (A>T on the coding strand, the complement: CACNA1S is on the minus strand). VCF-style: chr1-201110186-T-A. GRCh37 (hg19) VCF-style: chr1-201079314-T-A.
Other names: short protein forms N79I.
Identifiers: ClinVar variation 3386408 (VCV003386408.1).